The following is an entry in ClinVar:

ClinVar aggregate classification (germline): Uncertain significance (1 of 4 stars; one submission).

Conditions:
Inborn genetic diseases. Identifiers: MedGen C0950123, MeSH D030342.

Submission:

Ambry Genetics
Classification: Uncertain significance for Inborn genetic diseases. Last evaluated: 2026-02-14. Review status: criteria provided, single submitter. Criteria: Ambry Variant Classification Scheme 2023. Collection method: clinical testing. Allele origin: germline.
Comment: The p.P345S variant (also known as c.1033C>T), located in coding exon 9 of the PAX5 gene, results from a C to T substitution at nucleotide position 1033. The proline at codon 345 is replaced by serine, an amino acid with similar properties. This amino acid position is conserved. In addition, the in silico prediction for this alteration is inconclusive. Based on the available evidence, the clinical significance of this variant remains unclear.

NM_016734.3(PAX5):c.1033C>T (p.Pro345Ser)

Gene: PAX5 (paired box 5; minus strand). Cytogenetic location: 9p13.2.
Variant type: single nucleotide variant.
Coding change: c.1033C>T on transcript NM_016734.3 (MANE Select); coding-DNA position 1033, C replaced by T.
Protein change: p.Pro345Ser; replaces proline 345 with serine.
Molecular consequence: missense variant. On other transcripts: synonymous variant (1), non-coding transcript variant (2), intron variant (5).
Genome position (GRCh38, 1-based): chr9:36,846,909, G>A on the plus strand (C>T on the coding strand, the complement: PAX5 is on the minus strand). VCF-style: chr9-36846909-G-A. GRCh37 (hg19) VCF-style: chr9-36846906-G-A.
Other names: c.931C>T, p.Pro311Ser (NM_001280547.2); c.801C>T, p.Val267= (NM_001280549.2); c.904C>T, p.Pro302Ser (NM_001280554.2); c.733C>T, p.Pro245Ser (NM_001280555.2); c.709C>T, p.Pro237Ser (NM_001280556.2); c.587-6273C>T (NM_001280551.2); c.884-6273C>T (NM_001280553.2); c.781-6273C>T (NM_001280550.2); and 2 more; short protein forms P311S, P245S, P302S, P345S, P237S.
Identifiers: ClinVar variation 4825469 (VCV004825469.1).